The following is an entry in ClinVar:

ClinVar aggregate classification (germline): Benign/Likely benign. Review status: criteria provided, multiple submitters, no conflicts (2 of 4 stars). 6 submissions from 3 submitters: Benign (3); Likely benign (3). Last evaluated 2018-06-28.

Conditions:
Jervell and Lange-Nielsen syndrome 1 (JLNS1). Also called: CARDIOAUDITORY SYNDROME OF JERVELL AND LANGE-NIELSEN; DEAFNESS, CONGENITAL, AND FUNCTIONAL HEART DISEASE; PROLONGED QT INTERVAL IN EKG AND SUDDEN DEATH; SURDO-CARDIAC SYNDROME. Identifiers: Orphanet 768, Orphanet 90647, MedGen C4551509, MONDO:0024540, OMIM 220400.
Short QT syndrome type 2. Identifiers: Orphanet 51083, MedGen C1865019, MONDO:0012313, OMIM 609621.
Long QT syndrome 1 (LQT1). Identifiers: Orphanet 101016, Orphanet 768, MedGen C4551647, MONDO:0100316, OMIM 192500, MONDO:0008646.
Atrial fibrillation, familial, 3 (ATFB3). Identifiers: MedGen C1837014, MONDO:0011857, OMIM 607554.

Allele frequency attached by ClinVar (database versions not stated): 1000 Genomes Project 30x 0.00359; 1000 Genomes Project 0.00399; gnomAD exomes 0.00925; ExAC 0.01243; gnomAD 0.00945 and 0.01002; TOPMed 0.01066.
gnomAD v4.1: 7,401 of 662,384 alleles (1.1%); highest among the groups gnomAD compares: Non-Finnish European, 1.6%; 61 homozygotes.

Submissions (6):

GeneDx
Classification: Likely benign. Last evaluated: 2018-06-28. Review status: criteria provided, single submitter. Criteria: GeneDx Variant Classification Process June 2021. Collection method: clinical testing. Allele origin: germline. Affected: yes.

Illumina Laboratory Services, Illumina
Classification: Likely benign for Atrial fibrillation, familial, 3. Last evaluated: 2018-01-13. Review status: criteria provided, single submitter. Criteria: ICSL Variant Classification Criteria 13 December 2019. Collection method: clinical testing. Allele origin: germline.
Comment: This variant was observed in the ICSL laboratory as part of a predisposition screen in an ostensibly healthy population. It had not been previously curated by ICSL or reported in the Human Gene Mutation Database (HGMD: prior to June 1st, 2018), and was therefore a candidate for classification through an automated scoring system. Utilizing variant allele frequency, disease prevalence and penetrance estimates, and inheritance mode, an automated score was calculated to assess if this variant is too frequent to cause the disease. Based on the score and internal cut-off values, a variant classified as likely benign is not then subjected to further curation. The score for this variant resulted in a classification of likely benign for this disease.

Illumina Laboratory Services, Illumina
Classification: Benign for Jervell and Lange-Nielsen syndrome 1. Last evaluated: 2018-01-13. Review status: criteria provided, single submitter. Criteria: ICSL Variant Classification Criteria 13 December 2019. Collection method: clinical testing. Allele origin: germline.
Comment: This variant was observed in the ICSL laboratory as part of a predisposition screen in an ostensibly healthy population. It had not been previously curated by ICSL or reported in the Human Gene Mutation Database (HGMD: prior to June 1st, 2018), and was therefore a candidate for classification through an automated scoring system. Utilizing variant allele frequency, disease prevalence and penetrance estimates, and inheritance mode, an automated score was calculated to assess if this variant is too frequent to cause the disease. Based on the score and internal cut-off values, a variant classified as benign is not then subjected to further curation. The score for this variant resulted in a classification of benign for this disease.

Illumina Laboratory Services, Illumina
Classification: Benign for Long QT syndrome 1. Last evaluated: 2018-01-13. Review status: criteria provided, single submitter. Criteria: ICSL Variant Classification Criteria 13 December 2019. Collection method: clinical testing. Allele origin: germline.
Comment: the same text as in the submission from Illumina Laboratory Services, Illumina above.

Illumina Laboratory Services, Illumina
Classification: Benign for Short QT syndrome type 2. Last evaluated: 2018-01-13. Review status: criteria provided, single submitter. Criteria: ICSL Variant Classification Criteria 13 December 2019. Collection method: clinical testing. Allele origin: germline.
Comment: the same text as in the submission from Illumina Laboratory Services, Illumina above.

Breakthrough Genomics
Classification: Likely benign. Review status: criteria provided, single submitter. Criteria: ACMG Guidelines, 2015. Collection method: not provided. Allele origin: germline. Inheritance: Autosomal recessive inheritance. Affected: yes.

NM_000218.3(KCNQ1):c.*219G>A

Genes: KCNQ1 (potassium voltage-gated channel subfamily Q member 1; plus strand), KCNQ1-AS1 (KCNQ1 antisense RNA 1; minus strand). Cytogenetic location: 11p15.4.
Variant type: single nucleotide variant.
Coding change: c.*219G>A on transcript NM_000218.3 (MANE Select); 219 bases downstream of the stop codon, G replaced by A.
Molecular consequence: 3 prime UTR variant.
Genome position (GRCh38, 1-based): chr11:2,848,222, G>A. VCF-style: chr11-2848222-G-A. GRCh37 (hg19) VCF-style: chr11-2869452-G-A.
Other names: c.*219G>A (NM_001406836.1, NM_001406837.1, NM_001406838.1 and 2 more transcripts).
Identifiers: ClinVar variation 304236 (VCV000304236.11), dbSNP rs45477500, ClinGen allele CA034462.